The following is an entry in ClinVar:

ClinVar aggregate classification (germline): Conflicting classifications of pathogenicity. Review status: criteria provided, conflicting classifications (1 of 4 stars). 3 submissions from 3 submitters: Uncertain significance (2); Likely benign (1). Last evaluated 2024-07-10.

Conditions:
Hereditary cancer-predisposing syndrome. Also called: Hereditary Cancer Syndrome; Hereditary neoplastic syndrome; Neoplastic Syndromes, Hereditary; Tumor predisposition. Identifiers: Orphanet 140162, MedGen C0027672, MeSH D009386, MONDO:0015356.
Hereditary breast ovarian cancer syndrome. Also called: Hereditary breast and ovarian cancer syndrome (HBOC); Hereditary breast and ovarian cancer syndrome; Breast and ovarian cancer; Hereditary breast and/or ovarian cancer syndrome; Hereditary breast and ovarian cancer; BRCA1- and BRCA2-Associated Hereditary Breast and Ovarian Cancer. Identifiers: Orphanet 145, MedGen C0677776, MeSH D061325, MONDO:0003582. Disease mechanism: loss of function.

Submissions (3):

Labcorp Genetics (formerly Invitae), Labcorp
Classification: Uncertain significance for Hereditary breast ovarian cancer syndrome. Last evaluated: 2024-07-10. Review status: criteria provided, single submitter. Criteria: Invitae Variant Classification Sherloc (09022015). Collection method: clinical testing. Allele origin: germline.
Comment: This sequence change replaces asparagine, which is neutral and polar, with serine, which is neutral and polar, at codon 1402 of the BRCA2 protein (p.Asn1402Ser). This variant is not present in population databases (gnomAD no frequency). This variant has not been reported in the literature in individuals affected with BRCA2-related conditions. ClinVar contains an entry for this variant (Variation ID: 1738684). Advanced modeling of protein sequence and biophysical properties (such as structural, functional, and spatial information, amino acid conservation, physicochemical variation, residue mobility, and thermodynamic stability) performed at Invitae indicates that this missense variant is not expected to disrupt BRCA2 protein function with a negative predictive value of 95%. In summary, the available evidence is currently insufficient to determine the role of this variant in disease. Therefore, it has been classified as a Variant of Uncertain Significance.

University of Washington Department of Laboratory Medicine, University of Washington
Classification: Likely benign for Hereditary cancer-predisposing syndrome. Last evaluated: 2023-03-23. Review status: criteria provided, single submitter. Criteria: Dines et al. (Genet Med. 2020). Collection method: curation. Allele origin: germline.
Comment: Missense variant in a coldspot region where missense variants are very unlikely to be pathogenic (PMID:31911673).

BRCA2 exon 11 coldspot. Reclassification based on statistical prior probability.

Ambry Genetics
Classification: Uncertain significance for Hereditary cancer-predisposing syndrome. Last evaluated: 2022-08-18. Review status: criteria provided, single submitter. Criteria: Ambry Variant Classification Scheme 2023. Collection method: clinical testing. Allele origin: germline.
Comment: The p.N1402S variant (also known as c.4205A>G), located in coding exon 10 of the BRCA2 gene, results from an A to G substitution at nucleotide position 4205. The asparagine at codon 1402 is replaced by serine, an amino acid with highly similar properties. This alteration was seen in 1/732 breast cancer patients, 0/189 colorectal cancer patients and 0/490 cancer-free elderly controls in a Turkish population (Akcay IM et al. Int J Cancer, 2021 01;148:285-295). This amino acid position is not well conserved in available vertebrate species. In addition, this alteration is predicted to be tolerated by in silico analysis. Since supporting evidence is limited at this time, the clinical significance of this alteration remains unclear.

Literature cited by the submitters: PubMed 32658311 (cited by Ambry Genetics).

NM_000059.4(BRCA2):c.4205A>G (p.Asn1402Ser)

Gene: BRCA2 (BRCA2 DNA repair associated; plus strand). Cytogenetic location: 13q13.1.
Variant type: single nucleotide variant.
Coding change: c.4205A>G on transcript NM_000059.4 (MANE Select); coding-DNA position 4205, A replaced by G.
Protein change: p.Asn1402Ser; replaces asparagine 1402 with serine.
Molecular consequence: missense variant.
Genome position (GRCh38, 1-based): chr13:32,338,560, A>G. VCF-style: chr13-32338560-A-G. GRCh37 (hg19) VCF-style: chr13-32912697-A-G.
Other names: c.4205A>G, p.Asn1402Ser (NM_001406719.1, NM_001406720.1); short protein forms N1402S.
Identifiers: ClinVar variation 1738684 (VCV001738684.6), dbSNP rs2137503951, ClinGen allele CA387780230.